The following is an entry in ClinVar:

NM_001130144.3(LTBP3):c.1316G>A (p.Arg439Gln)

Gene: LTBP3 (latent transforming growth factor beta binding protein 3; minus strand). Cytogenetic location: 11q13.1.
Variant type: single nucleotide variant.
Coding change: c.1316G>A on transcript NM_001130144.3 (MANE Select); coding-DNA position 1316, G replaced by A.
Protein change: p.Arg439Gln; replaces arginine 439 with glutamine.
Molecular consequence: missense variant.
Genome position (GRCh38, 1-based): chr11:65,552,277, C>T on the plus strand (G>A on the coding strand, the complement: LTBP3 is on the minus strand). VCF-style: chr11-65552277-C-T. GRCh37 (hg19) VCF-style: chr11-65319748-C-T.
Other names: c.965G>A, p.Arg322Gln (NM_001164266.1); c.1316G>A, p.Arg439Gln (NM_021070.4); short protein forms R322Q, R439Q.
Identifiers: ClinVar variation 1914700 (VCV001914700.5), dbSNP rs1303744239, ClinGen allele CA381273785.

ClinVar aggregate classification (germline): Uncertain significance (1 of 4 stars; one submission).

Conditions:
Brachyolmia-amelogenesis imperfecta syndrome. Also called: PLATYSPONDYLY WITH AMELOGENESIS IMPERFECTA; Tooth agenesis, selective, 6; Dental anomalies and short stature. Identifiers: Orphanet 2899, MedGen C1832594, MONDO:0011018, OMIM 601216. Disease mechanism: loss of function.

Allele frequency attached by ClinVar (database versions not stated): gnomAD exomes 0.00001; gnomAD 0.00003; TOPMed 0.00004.
gnomAD v4.1: 19 of 1,613,998 alleles (0.0012%); highest among the groups gnomAD compares: Admixed American, 0.018%; no homozygotes.

Submission:

Labcorp Genetics (formerly Invitae), Labcorp
Classification: Uncertain significance for Brachyolmia-amelogenesis imperfecta syndrome. Last evaluated: 2025-02-04. Review status: criteria provided, single submitter. Criteria: Invitae Variant Classification Sherloc (09022015). Collection method: clinical testing. Allele origin: germline.
Comment: This sequence change replaces arginine, which is basic and polar, with glutamine, which is neutral and polar, at codon 439 of the LTBP3 protein (p.Arg439Gln). This variant is present in population databases (no rsID available, gnomAD 0.01%). This variant has not been reported in the literature in individuals affected with LTBP3-related conditions. ClinVar contains an entry for this variant (Variation ID: 1914700). An algorithm developed to predict the effect of missense changes on protein structure and function (PolyPhen-2) suggests that this variant is likely to be disruptive. In summary, the available evidence is currently insufficient to determine the role of this variant in disease. Therefore, it has been classified as a Variant of Uncertain Significance.